The following is an entry in ClinVar:

ClinVar aggregate classification (germline): Uncertain significance. Review status: criteria provided, multiple submitters, no conflicts (2 of 4 stars). 3 submissions from 3 submitters: Uncertain significance (3). Last evaluated 2025-04-18.

Conditions:
Bardet-Biedl syndrome (BBS). Identifiers: Orphanet 110, MedGen C0752166, MONDO:0015229.
BBS9-related disorder. Also called: BBS9-related condition.

Allele frequency attached by ClinVar (database versions not stated): gnomAD exomes below 0.00001; TOPMed below 0.00001.
gnomAD v4.1: 2 of 1,611,774 alleles (0.00012%); highest among the groups gnomAD compares: Non-Finnish European, 0.000085%; no homozygotes.

Submissions (3):

PreventionGenetics, part of Exact Sciences
Classification: Uncertain significance for BBS9-related condition. Last evaluated: 2025-04-18. Review status: criteria provided, single submitter. Criteria: ACMG Guidelines, 2015. Collection method: clinical testing. Allele origin: germline.
Comment: The BBS9 c.1843G>A variant is predicted to result in the amino acid substitution p.Glu615Lys. To our knowledge, this variant has not been reported in the literature or in a large population database (gnomAD), indicating this variant is rare. At this time, the clinical significance of this variant is uncertain due to the absence of conclusive functional and genetic evidence.

Labcorp Genetics (formerly Invitae), Labcorp
Classification: Uncertain significance for Bardet-Biedl syndrome. Last evaluated: 2023-10-04. Review status: criteria provided, single submitter. Criteria: Invitae Variant Classification Sherloc (09022015). Collection method: clinical testing. Allele origin: germline.
Comment: This sequence change replaces glutamic acid, which is acidic and polar, with lysine, which is basic and polar, at codon 615 of the BBS9 protein (p.Glu615Lys). This variant is not present in population databases (gnomAD no frequency). This variant has not been reported in the literature in individuals affected with BBS9-related conditions. ClinVar contains an entry for this variant (Variation ID: 1037206). Advanced modeling of protein sequence and biophysical properties (such as structural, functional, and spatial information, amino acid conservation, physicochemical variation, residue mobility, and thermodynamic stability) performed at Invitae indicates that this missense variant is expected to disrupt BBS9 protein function. In summary, the available evidence is currently insufficient to determine the role of this variant in disease. Therefore, it has been classified as a Variant of Uncertain Significance.

Blueprint Genetics
Classification: Uncertain significance. Last evaluated: 2022-05-24. Review status: criteria provided, single submitter. Criteria: ACMG Guidelines, 2015. Collection method: clinical testing. Allele origin: germline.

NM_198428.3(BBS9):c.1843G>A (p.Glu615Lys)

Gene: BBS9 (Bardet-Biedl syndrome 9; plus strand). Cytogenetic location: 7p14.3.
Variant type: single nucleotide variant.
Coding change: c.1843G>A on transcript NM_198428.3 (MANE Select); coding-DNA position 1843, G replaced by A.
Protein change: p.Glu615Lys; replaces glutamic acid 615 with lysine.
Molecular consequence: missense variant. On other transcripts: non-coding transcript variant (3).
Genome position (GRCh38, 1-based): chr7:33,383,719, G>A. VCF-style: chr7-33383719-G-A. GRCh37 (hg19) VCF-style: chr7-33423331-G-A.
Other names: c.1843G>A (NM_198428.2); c.1843G>A, p.Glu615Lys (NM_001348041.4, NM_001348036.1, NM_001348043.3 and 1 more transcripts); c.1708G>A, p.Glu570Lys (NM_001348042.3); c.1738G>A, p.Glu580Lys (NM_001033604.2); c.1828G>A, p.Glu610Lys (NM_001033605.2); c.1477G>A, p.Glu493Lys (NM_001348037.3, NM_001348045.3, NM_001348046.3); c.1570G>A, p.Glu524Lys (NM_001348038.3); c.1465G>A, p.Glu489Lys (NM_001348039.3); and 2 more; short protein forms E493K, E570K, E615K, E524K, E575K, E610K, E458K, E489K.
Identifiers: ClinVar variation 1037206 (VCV001037206.8), dbSNP rs993175361, ClinGen allele CA156731705.